The following is an entry in ClinVar:

NM_002354.3(EPCAM):c.374G>A (p.Arg125Lys)

Gene: EPCAM (epithelial cell adhesion molecule; plus strand). Cytogenetic location: 2p21.
Variant type: single nucleotide variant.
Coding change: c.374G>A on transcript NM_002354.3 (MANE Select); coding-DNA position 374, G replaced by A.
Protein change: p.Arg125Lys; replaces arginine 125 with lysine.
Molecular consequence: missense variant.
Genome position (GRCh38, 1-based): chr2:47,373,997, G>A. VCF-style: chr2-47373997-G-A. GRCh37 (hg19) VCF-style: chr2-47601136-G-A.
Other names: short protein forms R125K.
Identifiers: ClinVar variation 1734549 (VCV001734549.2), dbSNP rs2103747821, ClinGen allele CA346723379.
Genomic context (GRCh38, chr2:47,373,997, plus strand): 5'-TTAAGGCCAAGCAGTGCAACGGCACCTCCATGTGCTGGTGTGTGAACACTGCTGGGGTCA[G>A]AAGAACAGACAAGGACACTGAAATAACCTGCTCTGAGCGAGTGAGAACCTAGTGAGTGGG-3'
Protein context (NP_002345.2, residues 115-135): MCWCVNTAGV[Arg125Lys]RTDKDTEITC

ClinVar aggregate classification (germline): Uncertain significance (1 of 4 stars; one submission).

Conditions:
Hereditary cancer-predisposing syndrome. Also called: Neoplastic Syndromes, Hereditary; Tumor predisposition; Hereditary Cancer Syndrome; Hereditary neoplastic syndrome. Identifiers: Orphanet 140162, MedGen C0027672, MeSH D009386, MONDO:0015356.

Allele frequency attached by ClinVar (database versions not stated): gnomAD exomes below 0.00001.
gnomAD v4.1: 1 of 1,614,194 alleles (0.000062%); highest among the groups gnomAD compares: South Asian, 0.0011%; no homozygotes.

Submission:

Ambry Genetics
Classification: Uncertain significance for Hereditary cancer-predisposing syndrome. Last evaluated: 2022-10-14. Review status: criteria provided, single submitter. Criteria: Ambry Variant Classification Scheme 2023. Collection method: clinical testing. Allele origin: germline.
Comment: The p.R125K variant (also known as c.374G>A), located in coding exon 3 of the EPCAM gene, results from a G to A substitution at nucleotide position 374. The arginine at codon 125 is replaced by lysine, an amino acid with highly similar properties. This amino acid position is conserved. In addition, the in silico prediction for this alteration is inconclusive. Since supporting evidence is limited at this time, the clinical significance of this alteration remains unclear.